The following is an entry in ClinVar:

ClinVar aggregate classification (germline): Uncertain significance (1 of 4 stars; one submission).

Conditions:
Hyperaldosteronism, familial, type IV (HALD4). Also called: FH IV; ALDOSTERONISM, PRIMARY, AND HYPERTENSION. Identifiers: Orphanet 642671, MedGen C4310756, MONDO:0014875, OMIM 617027.
Idiopathic generalized epilepsy. Also called: EIG; Generalised epilepsy. Identifiers: MedGen C0270850, MONDO:0005579, OMIM 600669.

gnomAD v4.1: 1 of 1,492,594 alleles (0.000067%); highest among the groups gnomAD compares: Non-Finnish European, 0.00009%; no homozygotes.

Submission:

Labcorp Genetics (formerly Invitae), Labcorp
Classification: Uncertain significance for Idiopathic generalized epilepsy; Hyperaldosteronism, familial, type IV. Last evaluated: 2023-12-02. Review status: criteria provided, single submitter. Criteria: Invitae Variant Classification Sherloc (09022015). Collection method: clinical testing. Allele origin: germline.
Comment: This sequence change replaces glycine, which is neutral and non-polar, with alanine, which is neutral and non-polar, at codon 665 of the CACNA1H protein (p.Gly665Ala). This variant is not present in population databases (gnomAD no frequency). This variant has not been reported in the literature in individuals affected with CACNA1H-related conditions. Advanced modeling of protein sequence and biophysical properties (such as structural, functional, and spatial information, amino acid conservation, physicochemical variation, residue mobility, and thermodynamic stability) performed at Invitae indicates that this missense variant is not expected to disrupt CACNA1H protein function with a negative predictive value of 80%. In summary, the available evidence is currently insufficient to determine the role of this variant in disease. Therefore, it has been classified as a Variant of Uncertain Significance.

NM_021098.3(CACNA1H):c.1994G>C (p.Gly665Ala)

Gene: CACNA1H (calcium voltage-gated channel subunit alpha1 H; plus strand). Cytogenetic location: 16p13.3.
Variant type: single nucleotide variant.
Coding change: c.1994G>C on transcript NM_021098.3 (MANE Select); coding-DNA position 1994, G replaced by C.
Protein change: p.Gly665Ala; replaces glycine 665 with alanine.
Molecular consequence: missense variant.
Genome position (GRCh38, 1-based): chr16:1,202,444, G>C. VCF-style: chr16-1202444-G-C. GRCh37 (hg19) VCF-style: chr16-1252444-G-C.
Other names: c.1994G>C, p.Gly665Ala (NM_001005407.2); short protein forms G665A.
Identifiers: ClinVar variation 2938238 (VCV002938238.3), dbSNP rs752130183, ClinGen allele CA394164108.
Genomic context (GRCh38, chr16:1,202,444, plus strand): 5'-GGCACGGCCCGTTGAGCTTGAACAGCCCTGATCCCTACGAGAAGATCCCGCATGTGGTCG[G>C]GGAGCATGGTGAGGACCCAGCCCCACCCCACGGAGGAGGCGGTGGGACCTAGGCAGGGCG-3'
Protein context (NP_066921.2, residues 655-675): DPYEKIPHVV[Gly665Ala]EHGLGQAPGH